The following is an entry in ClinVar:

NM_005726.6(TSFM):c.17C>G (p.Ser6Trp)

Gene: TSFM (Ts translation elongation factor, mitochondrial; plus strand). Cytogenetic location: 12q14.1.
Variant type: single nucleotide variant.
Coding change: c.17C>G on transcript NM_005726.6 (MANE Select); coding-DNA position 17, C replaced by G.
Protein change: p.Ser6Trp; replaces serine 6 with tryptophan.
Molecular consequence: missense variant.
Genome position (GRCh38, 1-based): chr12:57,782,818, C>G. VCF-style: chr12-57782818-C-G. GRCh37 (hg19) VCF-style: chr12-58176601-C-G.
Other names: c.17C>G, p.Ser6Trp (NM_001172695.2, NM_001172696.2, NM_001172697.2); short protein forms S6W.
Identifiers: ClinVar variation 1953006 (VCV001953006.2), dbSNP rs372337739, ClinGen allele CA385522926.

ClinVar aggregate classification (germline): Uncertain significance (1 of 4 stars; one submission).

Submission:

Labcorp Genetics (formerly Invitae), Labcorp
Classification: Uncertain significance. Last evaluated: 2022-06-07. Review status: criteria provided, single submitter. Criteria: Invitae Variant Classification Sherloc (09022015). Collection method: clinical testing. Allele origin: germline.
Comment: This sequence change replaces serine, which is neutral and polar, with tryptophan, which is neutral and slightly polar, at codon 6 of the TSFM protein (p.Ser6Trp). This variant is not present in population databases (gnomAD no frequency). This variant has not been reported in the literature in individuals affected with TSFM-related conditions. Algorithms developed to predict the effect of missense changes on protein structure and function are either unavailable or do not agree on the potential impact of this missense change (SIFT: "Deleterious"; PolyPhen-2: "Probably Damaging"; Align-GVGD: "Class C0"). In summary, the available evidence is currently insufficient to determine the role of this variant in disease. Therefore, it has been classified as a Variant of Uncertain Significance.